The following is an entry in ClinVar:

NM_003482.4(KMT2D):c.11849A>G (p.Gln3950Arg)

Gene: KMT2D (lysine methyltransferase 2D; minus strand). Cytogenetic location: 12q13.12.
Variant type: single nucleotide variant.
Coding change: c.11849A>G on transcript NM_003482.4 (MANE Select); coding-DNA position 11849, A replaced by G.
Protein change: p.Gln3950Arg; replaces glutamine 3950 with arginine.
Molecular consequence: missense variant.
Genome position (GRCh38, 1-based): chr12:49,032,856, T>C on the plus strand (A>G on the coding strand, the complement: KMT2D is on the minus strand). VCF-style: chr12-49032856-T-C. GRCh37 (hg19) VCF-style: chr12-49426639-T-C.
Other names: short protein forms Q3950R.
Identifiers: ClinVar variation 625969 (VCV000625969.28), dbSNP rs751367935, ClinGen allele CA6546287.

ClinVar aggregate classification (germline): Conflicting classifications of pathogenicity. Review status: criteria provided, conflicting classifications (1 of 4 stars). 6 submissions from 5 submitters: Uncertain significance (2); Likely benign (3). 1 of the submissions does not count toward it. Last evaluated 2025-06-01.

Conditions:
KMT2D-related disorder. Also called: KMT2D-Related Disorders.
Kabuki syndrome 1 (KABUK1). Also called: KMT2D-Related Kabuki Syndrome. Identifiers: Orphanet 2322, MedGen CN030661, MONDO:0007843, OMIM 147920.
Choanal atresia-athelia-hypothyroidism-delayed puberty-short stature syndrome (BCAHH). Also called: BRANCHIAL ARCH ABNORMALITIES, CHOANAL ATRESIA, ATHELIA, HEARING LOSS, AND HYPOTHYROIDISM SYNDROME. Identifiers: Orphanet 589856, MedGen C5680310, MONDO:0035651, OMIM 620186.
Kabuki syndrome. Also called: NIIKAWA-KUROKI SYNDROME; Kabuki make-up syndrome. Identifiers: Orphanet 2322, MedGen C0796004, MONDO:0016512.

Allele frequency attached by ClinVar (database versions not stated): ExAC below 0.00001; TOPMed 0.00003; gnomAD exomes 0.00004 and 0.00005; gnomAD 0.00007 and 0.00008.
gnomAD v4.1: 62 of 1,549,856 alleles (0.004%); highest among the groups gnomAD compares: African/African-American, 0.0069%; no homozygotes.

Submissions (6):

Labcorp Genetics (formerly Invitae), Labcorp
Classification: Likely benign for Kabuki syndrome. Last evaluated: 2025-06-01. Review status: criteria provided, single submitter. Criteria: Invitae Variant Classification Sherloc (09022015). Collection method: clinical testing. Allele origin: germline.

CeGaT Center for Human Genetics Tuebingen
Classification: Likely benign. Last evaluated: 2025-02-01. Review status: criteria provided, single submitter. Criteria: CeGaT Center For Human Genetics Tuebingen Variant Classification Criteria Version 2. Collection method: clinical testing. Allele origin: germline. Affected: yes. Observed: 1 variant allele.
Comment: KMT2D: BP4, BS2

GeneDx
Classification: Likely benign. Last evaluated: 2021-01-06. Review status: criteria provided, single submitter. Criteria: GeneDx Variant Classification Process June 2021. Collection method: clinical testing. Allele origin: germline. Affected: yes.
Comment: This variant is associated with the following publications: (PMID: 30459467)

Center for Genomics, Ann and Robert H. Lurie Children's Hospital of Chicago
Classification: Uncertain significance for Kabuki syndrome 1. Last evaluated: 2018-02-05. Review status: criteria provided, single submitter. Criteria: ACMG Guidelines, 2015. Collection method: clinical testing. Allele origin: germline.
Comment: KMT2D NM_003482.3 exon 39 p.Gln3950Arg (c.11849A>G): This variant has not been reported in the literature but is present in 4/70846 European alleles in the Genome Aggregation Database. Evolutionary conservation and computational predictive tools for this variant are limited or unavailable. In summary, data on this variant is insufficient for disease classification. Therefore, the clinical significance of this variant is uncertain.

Center for Genomics, Ann and Robert H. Lurie Children's Hospital of Chicago
Classification: Uncertain significance for Choanal atresia-athelia-hypothyroidism-delayed puberty-short stature syndrome; Kabuki syndrome 1. Review status: criteria provided, single submitter. Criteria: ACMG Guidelines, 2015. Collection method: clinical testing. Allele origin: germline.
Comment: the same text as in the submission from Center for Genomics, Ann and Robert H. Lurie Children's Hospital of Chicago above.

PreventionGenetics, part of Exact Sciences
Classification: Uncertain significance for KMT2D-related condition. Last evaluated: 2023-11-30. Review status: no assertion criteria provided. Collection method: clinical testing. Allele origin: germline. Not counted in ClinVar's aggregate classification.
Comment: The KMT2D c.11849A>G variant is predicted to result in the amino acid substitution p.Gln3950Arg. This variant was reported in an individual with Kabuki syndrome (Table S3, Faundes et al. 2019. PubMed ID: 30459467). This variant is reported in 0.016% of alleles in individuals of European (Finnish) descent in gnomAD. Although we suspect that this variant may be benign, at this time, the clinical significance of this variant is uncertain due to the absence of conclusive functional and genetic evidence.